The following is an entry in ClinVar:

NM_015662.3(IFT172):c.1973G>A (p.Arg658Gln)

Gene: IFT172 (intraflagellar transport 172; minus strand). Cytogenetic location: 2p23.3.
Variant type: single nucleotide variant.
Coding change: c.1973G>A on transcript NM_015662.3 (MANE Select); coding-DNA position 1973, G replaced by A.
Protein change: p.Arg658Gln; replaces arginine 658 with glutamine.
Molecular consequence: missense variant.
Genome position (GRCh38, 1-based): chr2:27,463,146, C>T on the plus strand (G>A on the coding strand, the complement: IFT172 is on the minus strand). VCF-style: chr2-27463146-C-T. GRCh37 (hg19) VCF-style: chr2-27686013-C-T.
Other names: c.1973G>A (NM_015662.2); short protein forms R658Q.
Identifiers: ClinVar variation 1488292 (VCV001488292.10), dbSNP rs376890875, ClinGen allele CA1580466.
Genomic context (GRCh38, chr2:27,463,146, plus strand): 5'-ATAATACTTGCATATTCCCGGGATACTTGATCTGCAATCTCATTGGTCTCATGCAGGAAT[C>T]GAGCTTTTGCTACTTGGCCCAAAGCAGAAAAGCACCTATGGCATGGAAGCAATAACATTA-3'
Protein context (NP_056477.1, residues 648-668): FSALGQVAKA[Arg658Gln]FLHETNEIAD

ClinVar aggregate classification (germline): Uncertain significance. Review status: criteria provided, multiple submitters, no conflicts (2 of 4 stars). 5 submissions from 5 submitters: Uncertain significance (5). Last evaluated 2026-04-07.

Conditions:
Retinitis pigmentosa 71 (RP71). Identifiers: Orphanet 791, MedGen C4225342, MONDO:0014618, OMIM 616394.
Short-rib thoracic dysplasia 10 with or without polydactyly (SRTD10). Identifiers: Orphanet 474, MedGen C3810175, MONDO:0014284, OMIM 615630.
Bardet-Biedl syndrome 20. Identifiers: MedGen C4310707, MONDO:0023670, OMIM 619471, MONDO:0014926.
IFT172-related disorder. Also called: IFT172-related condition; IFT172-related disorders.

Allele frequency attached by ClinVar (database versions not stated): gnomAD 0.00002; gnomAD exomes 0.00002 and 0.00005; ExAC 0.00003; TOPMed 0.00005; ESP Exome Variant Server 0.00015.
gnomAD v4.1: 81 of 1,614,006 alleles (0.005%); highest among the groups gnomAD compares: Middle Eastern, 0.016%; no homozygotes.

Submissions (5):

PreventionGenetics, part of Exact Sciences
Classification: Uncertain significance for IFT172-related condition. Last evaluated: 2026-04-07. Review status: criteria provided, single submitter. Criteria: ACMG Guidelines, 2015. Collection method: clinical testing. Allele origin: germline.
Comment: The IFT172 c.1973G>A variant is predicted to result in the amino acid substitution p.Arg658Gln. To our knowledge, this variant has not been reported in the literature. This variant is reported in 0.0044% of alleles in individuals of European (non-Finnish) descent in gnomAD. At this time, the clinical significance of this variant is uncertain due to the absence of conclusive functional and genetic evidence.

GeneDx
Classification: Uncertain significance. Last evaluated: 2025-02-10. Review status: criteria provided, single submitter. Criteria: GeneDx Variant Classification Process June 2021. Collection method: clinical testing. Allele origin: germline. Affected: yes.
Comment: Not observed at significant frequency in large population cohorts (gnomAD); In silico analysis indicates that this missense variant does not alter protein structure/function; Has not been previously published as pathogenic or benign to our knowledge

Fulgent Genetics
Classification: Uncertain significance for Short-rib thoracic dysplasia 10 with or without polydactyly; Retinitis pigmentosa 71; Bardet-Biedl syndrome 20. Last evaluated: 2024-03-05. Review status: criteria provided, single submitter. Criteria: ACMG Guidelines, 2015. Collection method: clinical testing. Allele origin: germline.

Blueprint Genetics
Classification: Uncertain significance. Last evaluated: 2024-02-20. Review status: criteria provided, single submitter. Criteria: ACMG Guidelines, 2015. Collection method: clinical testing. Allele origin: germline.

Labcorp Genetics (formerly Invitae), Labcorp
Classification: Uncertain significance for Retinitis pigmentosa 71; Short-rib thoracic dysplasia 10 with or without polydactyly. Last evaluated: 2022-06-13. Review status: criteria provided, single submitter. Criteria: Invitae Variant Classification Sherloc (09022015). Collection method: clinical testing. Allele origin: germline.
Comment: This sequence change replaces arginine, which is basic and polar, with glutamine, which is neutral and polar, at codon 658 of the IFT172 protein (p.Arg658Gln). This variant is present in population databases (rs376890875, gnomAD 0.004%). This variant has not been reported in the literature in individuals affected with IFT172-related conditions. Algorithms developed to predict the effect of missense changes on protein structure and function (SIFT, PolyPhen-2, Align-GVGD) all suggest that this variant is likely to be tolerated. In summary, the available evidence is currently insufficient to determine the role of this variant in disease. Therefore, it has been classified as a Variant of Uncertain Significance.